The following is an entry in ClinVar:

NM_002382.5(MAX):c.197A>G (p.Lys66Arg)

Gene: MAX (MYC associated transcriptional regulator X; minus strand). Cytogenetic location: 14q23.3.
Variant type: single nucleotide variant.
Coding change: c.197A>G on transcript NM_002382.5 (MANE Select); coding-DNA position 197, A replaced by G.
Protein change: p.Lys66Arg; replaces lysine 66 with arginine.
Molecular consequence: missense variant. On other transcripts: 5 prime UTR variant (1), intron variant (2).
Genome position (GRCh38, 1-based): chr14:65,078,011, T>C on the plus strand (A>G on the coding strand, the complement: MAX is on the minus strand). VCF-style: chr14-65078011-T-C. GRCh37 (hg19) VCF-style: chr14-65544729-T-C.
Other names: c.-78A>G (NM_001320415.2, NM_001407105.1, NM_001407106.1 and 1 more transcripts); c.197A>G, p.Lys66Arg (NM_001407094.1, NM_001407096.1, NM_001407097.1 and 3 more transcripts); c.170A>G, p.Lys57Arg (NM_001407095.1, NM_001407099.1, NM_001407100.1 and 6 more transcripts); c.89A>G, p.Lys30Arg (NM_001407098.1); c.-171A>G (NM_001407111.1, NM_001407112.1); c.144+15697A>G (NM_001271069.2); c.171+15697A>G (NM_197957.4); short protein forms K57R, K66R, K30R.
Identifiers: ClinVar variation 1025642 (VCV001025642.12), dbSNP rs2063105729, ClinGen allele CA390035900.

ClinVar aggregate classification (germline): Uncertain significance. Review status: criteria provided, multiple submitters, no conflicts (2 of 4 stars). 2 submissions from 2 submitters: Uncertain significance (2). Last evaluated 2021-07-22.

Conditions:
Hereditary cancer-predisposing syndrome. Also called: Hereditary neoplastic syndrome; Hereditary Cancer Syndrome; Tumor predisposition; Neoplastic Syndromes, Hereditary. Identifiers: Orphanet 140162, MedGen C0027672, MeSH D009386, MONDO:0015356.
Hereditary pheochromocytoma and paraganglioma. Also called: Hereditary pheochromocytoma-paraganglioma; Hereditary Paraganglioma-Pheochromocytoma Syndromes; Hereditary paragangliomas and pheochromocytomas. Identifiers: Orphanet 29072, MedGen C4274332, MONDO:0017366.

Allele frequency attached by ClinVar (database versions not stated): gnomAD exomes below 0.00001.
gnomAD v4.1: 2 of 1,614,156 alleles (0.00012%); highest among the groups gnomAD compares: Non-Finnish European, 0.00017%; no homozygotes.

Submissions (2):

Ambry Genetics
Classification: Uncertain significance for Hereditary cancer-predisposing syndrome. Last evaluated: 2021-07-22. Review status: criteria provided, single submitter. Criteria: Ambry Variant Classification Scheme 2023. Collection method: clinical testing. Allele origin: germline.
Comment: The p.K66R variant (also known as c.197A>G), located in coding exon 4 of the MAX gene, results from an A to G substitution at nucleotide position 197. The lysine at codon 66 is replaced by arginine, an amino acid with highly similar properties. This amino acid position is highly conserved in available vertebrate species. In addition, this alteration is predicted to be deleterious by in silico analysis. Since supporting evidence is limited at this time, the clinical significance of this alteration remains unclear.

Labcorp Genetics (formerly Invitae), Labcorp
Classification: Uncertain significance for Hereditary pheochromocytoma and paraganglioma. Last evaluated: 2018-06-21. Review status: criteria provided, single submitter. Criteria: Invitae Variant Classification Sherloc (09022015). Collection method: clinical testing. Allele origin: germline.
Comment: This variant has not been reported in the literature in individuals with MAX-related disease. This sequence change replaces lysine with arginine at codon 66 of the MAX protein (p.Lys66Arg). The lysine residue is highly conserved and there is a small physicochemical difference between lysine and arginine. This variant is not present in population databases (ExAC no frequency). Algorithms developed to predict the effect of missense changes on protein structure and function (SIFT, PolyPhen-2, Align-GVGD) all suggest that this variant is likely to be tolerated, but these predictions have not been confirmed by published functional studies and their clinical significance is uncertain. In summary, the available evidence is currently insufficient to determine the role of this variant in disease. Therefore, it has been classified as a Variant of Uncertain Significance.